The following is an entry in ClinVar:

ClinVar aggregate classification (germline): Likely benign (1 of 4 stars; one submission).

gnomAD v4.1: 19 of 1,551,758 alleles (0.0012%); highest among the groups gnomAD compares: South Asian, 0.015%; no homozygotes.

Submission:

CeGaT Center for Human Genetics Tuebingen
Classification: Likely benign. Last evaluated: 2026-01-01. Review status: criteria provided, single submitter. Criteria: CeGaT Center For Human Genetics Tuebingen Variant Classification Criteria Version 2. Collection method: clinical testing. Allele origin: germline. Affected: yes. Observed: 1 variant allele.
Comment: INTS1: BP4, BP7

NM_001080453.3(INTS1):c.3942C>T (p.Pro1314=)

Gene: INTS1 (integrator complex subunit 1; minus strand). Cytogenetic location: 7p22.3.
Variant type: single nucleotide variant.
Coding change: c.3942C>T on transcript NM_001080453.3 (MANE Select); coding-DNA position 3942, C replaced by T.
Protein change: p.Pro1314=; no amino-acid change (proline 1314 retained).
Molecular consequence: synonymous variant.
Genome position (GRCh38, 1-based): chr7:1,480,842, G>A on the plus strand (C>T on the coding strand, the complement: INTS1 is on the minus strand). VCF-style: chr7-1480842-G-A. GRCh37 (hg19) VCF-style: chr7-1520478-G-A.
Identifiers: ClinVar variation 4822122 (VCV004822122.4).